The following is an entry in ClinVar:

ClinVar aggregate classification (germline): Uncertain significance. Review status: criteria provided, multiple submitters, no conflicts (2 of 4 stars). 2 submissions from 2 submitters: Uncertain significance (2). Last evaluated 2025-05-07.

Conditions:
Autosomal dominant hypocalcemia 1 (HYPOC1). Also called: HYPOCALCEMIA, FAMILIAL. Identifiers: MedGen C3715128, MONDO:0011013, OMIM 601198.
Familial hypocalciuric hypercalcemia (FHH). Also called: Familial benign hypercalcemia. Identifiers: Orphanet 405, MedGen C1809471, MONDO:0018458.

Submissions (2):

Women's Health and Genetics/Laboratory Corporation of America, LabCorp
Classification: Uncertain significance. Last evaluated: 2025-05-07. Review status: criteria provided, single submitter. Criteria: LabCorp Variant Classification Summary - May 2015. Collection method: clinical testing. Allele origin: germline.
Comment: Variant summary: CASR c.1880C>A (p.Thr627Lys) results in a non-conservative amino acid change in the encoded protein sequence. Algorithms developed to predict the effect of missense changes on protein structure and function all suggest that this variant is likely to be disruptive. The variant was absent in 251470 control chromosomes. The available data on variant occurrences in the general population are insufficient to allow any conclusion about variant significance. To our knowledge, no occurrence of c.1880C>A in individuals affected with Autosomal Dominant Hypocalcemia and no experimental evidence demonstrating its impact on protein function have been reported. ClinVar contains an entry for this variant (Variation ID: 1004909). Based on the evidence outlined above, the variant was classified as uncertain significance.

Labcorp Genetics (formerly Invitae), Labcorp
Classification: Uncertain significance for Familial hypocalciuric hypercalcemia; Autosomal dominant hypocalcemia 1. Last evaluated: 2020-09-21. Review status: criteria provided, single submitter. Criteria: Invitae Variant Classification Sherloc (09022015). Collection method: clinical testing. Allele origin: germline.
Comment: This variant has not been reported in the literature in individuals with CASR-related conditions. This variant is not present in population databases (ExAC no frequency). This sequence change replaces threonine with lysine at codon 627 of the CASR protein (p.Thr627Lys). The threonine residue is highly conserved and there is a moderate physicochemical difference between threonine and lysine. Algorithms developed to predict the effect of missense changes on protein structure and function (SIFT, PolyPhen-2, Align-GVGD) all suggest that this variant is likely to be disruptive, but these predictions have not been confirmed by published functional studies and their clinical significance is uncertain. In summary, the available evidence is currently insufficient to determine the role of this variant in disease. Therefore, it has been classified as a Variant of Uncertain Significance.

NM_000388.4(CASR):c.1880C>A (p.Thr627Lys)

Gene: CASR (calcium sensing receptor; plus strand). Cytogenetic location: 3q21.1.
Variant type: single nucleotide variant.
Coding change: c.1880C>A on transcript NM_000388.4 (MANE Select); coding-DNA position 1880, C replaced by A.
Protein change: p.Thr627Lys; replaces threonine 627 with lysine.
Molecular consequence: missense variant.
Genome position (GRCh38, 1-based): chr3:122,283,834, C>A. VCF-style: chr3-122283834-C-A. GRCh37 (hg19) VCF-style: chr3-122002681-C-A.
Other names: c.1910C>A, p.Thr637Lys (NM_001178065.2); short protein forms T627K, T637K.
Identifiers: ClinVar variation 1004909 (VCV001004909.10), dbSNP rs2074924073, ClinGen allele CA354157807.
Genomic context (GRCh38, chr3:122,283,834, plus strand): 5'-CGTGGACGGAGCCCTTTGGGATCGCACTCACCCTCTTTGCCGTGCTGGGCATTTTCCTGA[C>A]AGCCTTTGTGCTGGGTGTGTTTATCAAGTTCCGCAACACACCCATTGTCAAGGCCACCAA-3'
Protein context (NP_000379.3, residues 617-637): TLFAVLGIFL[Thr627Lys]AFVLGVFIKF